The following is an entry in ClinVar:

ClinVar aggregate classification (germline): Uncertain significance (1 of 4 stars; one submission).

Conditions:
Desmin-related myofibrillar myopathy (MFM1). Also called: Desmin related myopathy (former name); Desmin storage myopathy (former name); Desminopathy; Myofibrillar myopathy 1; MYOFIBRILLAR MYOPATHY WITH ARRHYTHMOGENIC RIGHT VENTRICULAR CARDIOMYOPATHY; DESMIN-RELATED MYOPATHY WITH ARRHYTHMOGENIC RIGHT VENTRICULAR CARDIOMYOPATHY. Identifiers: Orphanet 363543, Orphanet 98909, MedGen C1832370, MONDO:0011076, OMIM 601419.

Allele frequency attached by ClinVar (database versions not stated): gnomAD exomes below 0.00001.

Submission:

Labcorp Genetics (formerly Invitae), Labcorp
Classification: Uncertain significance for Desmin-related myofibrillar myopathy. Last evaluated: 2022-09-03. Review status: criteria provided, single submitter. Criteria: Invitae Variant Classification Sherloc (09022015). Collection method: clinical testing. Allele origin: germline.
Comment: In summary, the available evidence is currently insufficient to determine the role of this variant in disease. Therefore, it has been classified as a Variant of Uncertain Significance. Algorithms developed to predict the effect of missense changes on protein structure and function are either unavailable or do not agree on the potential impact of this missense change (SIFT: "Tolerated"; PolyPhen-2: "Possibly Damaging"; Align-GVGD: "Class C0"). This variant has not been reported in the literature in individuals affected with DES-related conditions. This variant is not present in population databases (gnomAD no frequency). This sequence change replaces alanine, which is neutral and non-polar, with glutamic acid, which is acidic and polar, at codon 134 of the DES protein (p.Ala134Glu).

NM_001927.4(DES):c.401C>A (p.Ala134Glu)

Gene: DES (desmin; plus strand). Cytogenetic location: 2q35.
Variant type: single nucleotide variant.
Coding change: c.401C>A on transcript NM_001927.4 (MANE Select); coding-DNA position 401, C replaced by A.
Protein change: p.Ala134Glu; replaces alanine 134 with glutamic acid.
Molecular consequence: missense variant.
Genome position (GRCh38, 1-based): chr2:219,418,863, C>A. VCF-style: chr2-219418863-C-A. GRCh37 (hg19) VCF-style: chr2-220283585-C-A.
Other names: c.401C>A, p.Ala134Glu (NM_001382708.1, NM_001382709.1, NM_001382710.1 and 3 more transcripts); short protein forms A134E.
Identifiers: ClinVar variation 1718790 (VCV001718790.6), dbSNP rs2545247664, ClinGen allele CA350685894.